The following is an entry in ClinVar:

ClinVar aggregate classification (germline): Uncertain significance (1 of 4 stars; one submission).

Submission:

Labcorp Genetics (formerly Invitae), Labcorp
Classification: Uncertain significance. Last evaluated: 2025-05-18. Review status: criteria provided, single submitter. Criteria: Invitae Variant Classification Sherloc (09022015). Collection method: clinical testing. Allele origin: germline.
Comment: This sequence change replaces glycine, which is neutral and non-polar, with glutamic acid, which is acidic and polar, at codon 856 of the FCHO1 protein (p.Gly856Glu). This variant is present in population databases (no rsID available, gnomAD 0.003%). This variant has not been reported in the literature in individuals affected with FCHO1-related conditions. An algorithm developed to predict the effect of missense changes on protein structure and function (PolyPhen-2) suggests that this variant is likely to be disruptive. In summary, the available evidence is currently insufficient to determine the role of this variant in disease. Therefore, it has been classified as a Variant of Uncertain Significance.

NM_015122.3(FCHO1):c.2567G>A (p.Gly856Glu)

Gene: FCHO1 (FCH and mu domain containing endocytic adaptor 1; plus strand). Cytogenetic location: 19p13.11.
Variant type: single nucleotide variant.
Coding change: c.2567G>A on transcript NM_015122.3 (MANE Select); coding-DNA position 2567, G replaced by A.
Protein change: p.Gly856Glu; replaces glycine 856 with glutamic acid.
Molecular consequence: missense variant. On other transcripts: synonymous variant (3), non-coding transcript variant (36).
Genome position (GRCh38, 1-based): chr19:17,787,766, G>A. VCF-style: chr19-17787766-G-A. GRCh37 (hg19) VCF-style: chr19-17898575-G-A.
Other names: c.2567G>A, p.Gly856Glu (NM_001161357.2, NM_001161358.2, NM_001384370.1 and 11 more transcripts); c.2417G>A, p.Gly806Glu (NM_001161359.2, NM_001384384.1, NM_001384385.1 and 1 more transcripts); c.2546G>A, p.Gly849Glu (NM_001384387.1); c.2528G>A, p.Gly843Glu (NM_001384388.1, NM_001384389.1); c.2492G>A, p.Gly831Glu (NM_001384390.1); c.2367G>A, p.Gly789= (NM_001384391.1); c.2450G>A, p.Gly817Glu (NM_001384392.1, NM_001384393.1, NM_001384394.1 and 1 more transcripts); c.2291G>A, p.Gly764Glu (NM_001384396.1, NM_001384397.1, NM_001384398.1 and 4 more transcripts); and 5 more; short protein forms G732E, G749E, G831E, G764E, G817E, G849E, G555E, G843E.
Identifiers: ClinVar variation 4693241 (VCV004693241.1).